The following is an entry in ClinVar:

ClinVar aggregate classification (germline): Conflicting classifications of pathogenicity. Review status: criteria provided, conflicting classifications (1 of 4 stars). 7 submissions from 6 submitters: Uncertain significance (2); Benign (4); Likely benign (1). Last evaluated 2025-12-02.

Conditions:
Hypertrophic cardiomyopathy 3. Also called: TPM1-Related Familial Hypertrophic Cardiomyopathy. Identifiers: MedGen C1861863, MONDO:0007267, OMIM 115196.
Hypertrophic cardiomyopathy. Also called: HYPERTROPHIC MYOCARDIOPATHY. Identifiers: Orphanet 217569, MedGen C0007194, MeSH D002312, MONDO:0005045, HP:0001639.
Cardiomyopathy (CMYO). Also called: Cardiomyopathies. Identifiers: Orphanet 167848, MedGen C0878544, MONDO:0004994, HP:0001638. Inheritance: Various modes of inheritance.
Dilated cardiomyopathy 1Y (CMD1Y). Identifiers: Orphanet 154, Orphanet 54260, MedGen C2678476, MONDO:0012744, OMIM 611878.

Allele frequency attached by ClinVar (database versions not stated): gnomAD exomes 0.00002 and 0.00012; TOPMed 0.00003; gnomAD 0.00004 and 0.00005; ExAC 0.00010; 1000 Genomes Project 0.00040; 1000 Genomes Project 30x 0.00062.
gnomAD v4.1: 39 of 1,614,172 alleles (0.0024%); highest among the groups gnomAD compares: East Asian, 0.069%; no homozygotes.

Submissions (7):

Labcorp Genetics (formerly Invitae), Labcorp
Classification: Benign for Hypertrophic cardiomyopathy. Last evaluated: 2025-12-02. Review status: criteria provided, single submitter. Criteria: Invitae Variant Classification Sherloc (09022015). Collection method: clinical testing. Allele origin: germline.

Blueprint Genetics
Classification: Likely benign. Last evaluated: 2024-10-03. Review status: criteria provided, single submitter. Criteria: ACMG Guidelines, 2015. Collection method: clinical testing. Allele origin: germline.

All of Us Research Program, National Institutes of Health
Classification: Benign for Hypertrophic cardiomyopathy. Last evaluated: 2023-10-30. Review status: criteria provided, single submitter. Criteria: ACMG Guidelines, 2015. Collection method: clinical testing. Allele origin: germline. Inheritance: Autosomal dominant inheritance. Observed: 4 variant alleles, 4 heterozygotes.
Comment: This study involves interpretation of variants in research participants for the purpose of population health screening. Participant phenotype was not available at the time of variant classification. Additional details can be found in publication PMID: 35346344, PMCID: PMC8962531

Color Diagnostics, LLC DBA Color Health
Classification: Benign for Cardiomyopathy. Last evaluated: 2018-11-03. Review status: criteria provided, single submitter. Criteria: ACMG Guidelines, 2015. Collection method: clinical testing. Allele origin: germline.

Illumina Laboratory Services, Illumina
Classification: Uncertain significance for Dilated cardiomyopathy 1Y. Last evaluated: 2018-01-13. Review status: criteria provided, single submitter. Criteria: ICSL Variant Classification Criteria 13 December 2019. Collection method: clinical testing. Allele origin: germline.

Illumina Laboratory Services, Illumina
Classification: Uncertain significance for Hypertrophic cardiomyopathy 3. Last evaluated: 2018-01-13. Review status: criteria provided, single submitter. Criteria: ICSL Variant Classification Criteria 13 December 2019. Collection method: clinical testing. Allele origin: germline.

GeneDx
Classification: Benign. Last evaluated: 2015-03-03. Review status: criteria provided, single submitter. Criteria: GeneDx Variant Classification Process June 2021. Collection method: clinical testing. Allele origin: germline. Affected: yes.

NM_001018005.2(TPM1):c.249C>T (p.Ala83=)

Gene: TPM1 (tropomyosin 1; plus strand). Cytogenetic location: 15q22.2.
Variant type: single nucleotide variant.
Coding change: c.249C>T on transcript NM_001018005.2 (MANE Select); coding-DNA position 249, C replaced by T.
Protein change: p.Ala83=; no amino-acid change (alanine 83 retained).
Molecular consequence: synonymous variant.
Genome position (GRCh38, 1-based): chr15:63,056,993, C>T. VCF-style: chr15-63056993-C-T. GRCh37 (hg19) VCF-style: chr15-63349192-C-T.
Other names: c.249C>T, p.Ala83= (NM_000366.6, NM_001018004.2, NM_001018006.2 and 6 more transcripts); c.141C>T, p.Ala47= (NM_001018008.2, NM_001301289.2, NM_001330344.2 and 5 more transcripts); c.375C>T, p.Ala125= (NM_001365778.1).
Identifiers: ClinVar variation 316687 (VCV000316687.20), dbSNP rs200257214, ClinGen allele CA028866.
Genomic context (GRCh38, chr15:63,056,993, plus strand): 5'-TACCACCCTCACTTTCTCCCCAACTCTGAAATGCTTTTCACTCTCTACCTAGGCTGAAGC[C>T]GACGTAGCTTCTCTGAACAGACGCATCCAGCTGGTTGAGGAAGAGTTGGATCGTGCCCAG-3'
Protein context (NP_001018005.1, residues 73-93): LAEKKATDAE[Ala83=]DVASLNRRIQ